The following is an entry in ClinVar:

NM_017866.6(TMEM70):c.588C>T (p.His196=)

Gene: TMEM70 (transmembrane protein 70; plus strand). Cytogenetic location: 8q21.11.
Variant type: single nucleotide variant.
Coding change: c.588C>T on transcript NM_017866.6 (MANE Select); coding-DNA position 588, C replaced by T.
Protein change: p.His196=; no amino-acid change (histidine 196 retained).
Molecular consequence: synonymous variant. On other transcripts: 3 prime UTR variant (1), non-coding transcript variant (1).
Genome position (GRCh38, 1-based): chr8:73,981,426, C>T. VCF-style: chr8-73981426-C-T. GRCh37 (hg19) VCF-style: chr8-74893661-C-T.
Other names: c.*278C>T (NM_001040613.3).
Identifiers: ClinVar variation 385679 (VCV000385679.12), dbSNP rs199726326, ClinGen allele CA4784077.
Genomic context (GRCh38, chr8:73,981,426, plus strand): 5'-AGACACTTATAAAGCCATTACCTACAATGCTATGCTTGCAGAAACGAGTACAGTGTTTCA[C>T]CAGAATGATGTGAAGATTCCAGATGCTAAACATGTATTTACCACATTTTATGCTAAAACA-3'
Protein context (NP_060336.3, residues 186-206): AMLAETSTVF[His196=]QNDVKIPDAK

ClinVar aggregate classification (germline): Likely benign. Review status: criteria provided, multiple submitters, no conflicts (2 of 4 stars). 3 submissions from 3 submitters: Likely benign (2). 1 of the submissions does not count toward it. Last evaluated 2026-01-08.

Conditions:
TMEM70-related disorder. Also called: TMEM70-related condition.
Mitochondrial complex V (ATP synthase) deficiency, nuclear type 2. Also called: MITOCHONDRIAL COMPLEX V (ATP SYNTHASE) DEFICIENCY, TMEM70 TYPE; ENCEPHALOCARDIOMYOPATHY, MITOCHONDRIAL, NEONATAL, DUE TO ATP SYNTHASE DEFICIENCY; Nuclear-Encoded ATPase Deficiency, TMEM70-Related. Identifiers: Orphanet 1194, MedGen C3279699, MONDO:0013546, OMIM 614052.

Allele frequency attached by ClinVar (database versions not stated): ESP Exome Variant Server 0.00008; TOPMed 0.00003.
gnomAD v4.1: 95 of 1,613,982 alleles (0.0059%); highest among the groups gnomAD compares: Non-Finnish European, 0.0076%; no homozygotes.

Submissions (3):

Labcorp Genetics (formerly Invitae), Labcorp
Classification: Likely benign for Mitochondrial complex V (ATP synthase) deficiency, nuclear type 2. Last evaluated: 2026-01-08. Review status: criteria provided, single submitter. Criteria: Invitae Variant Classification Sherloc (09022015). Collection method: clinical testing. Allele origin: germline.

GeneDx
Classification: Likely benign. Last evaluated: 2017-02-01. Review status: criteria provided, single submitter. Criteria: GeneDx Variant Classification (06012015). Collection method: clinical testing. Allele origin: germline. Affected: yes.
Comment: This variant is considered likely benign or benign based on one or more of the following criteria: it is a conservative change, it occurs at a poorly conserved position in the protein, it is predicted to be benign by multiple in silico algorithms, and/or has population frequency not consistent with disease.

PreventionGenetics, part of Exact Sciences
Classification: Likely benign for TMEM70-related condition. Last evaluated: 2020-01-06. Review status: no assertion criteria provided. Collection method: clinical testing. Allele origin: germline. Not counted in ClinVar's aggregate classification.
Comment: This variant is classified as likely benign based on ACMG/AMP sequence variant interpretation guidelines (Richards et al. 2015 PMID: 25741868, with internal and published modifications).